The following is an entry in ClinVar:

ClinVar aggregate classification (germline): Uncertain significance (1 of 4 stars; one submission).

Submission:

Labcorp Genetics (formerly Invitae), Labcorp
Classification: Uncertain significance. Last evaluated: 2024-09-23. Review status: criteria provided, single submitter. Criteria: Invitae Variant Classification Sherloc (09022015). Collection method: clinical testing. Allele origin: germline.
Comment: This sequence change falls in intron 45 of the MTOR gene. It does not directly change the encoded amino acid sequence of the MTOR protein. It affects a nucleotide within the consensus splice site. This variant is not present in population databases (gnomAD no frequency). This variant has not been reported in the literature in individuals affected with MTOR-related conditions. Variants that disrupt the consensus splice site are a relatively common cause of aberrant splicing (PMID: 17576681, 9536098). Algorithms developed to predict the effect of sequence changes on RNA splicing suggest that this variant is not likely to affect RNA splicing. In summary, the available evidence is currently insufficient to determine the role of this variant in disease. Therefore, it has been classified as a Variant of Uncertain Significance.

Literature cited by the submitters: PubMed 17576681; PubMed 9536098.

NM_004958.4(MTOR):c.6351+5G>A

Gene: MTOR (mechanistic target of rapamycin kinase; minus strand). Cytogenetic location: 1p36.22.
Variant type: single nucleotide variant.
Coding change: c.6351+5G>A on transcript NM_004958.4 (MANE Select); 5 bases into the intron after coding-DNA position 6351, G replaced by A.
Molecular consequence: intron variant.
Genome position (GRCh38, 1-based): chr1:11,127,005, C>T on the plus strand (G>A on the coding strand, the complement: MTOR is on the minus strand). VCF-style: chr1-11127005-C-T. GRCh37 (hg19) VCF-style: chr1-11187062-C-T.
Other names: c.5103+5G>A (NM_001386501.1); c.6351+5G>A (NM_001386500.1).
Identifiers: ClinVar variation 2809673 (VCV002809673.3), dbSNP rs368941866, ClinGen allele CA17940873.
Genomic context (GRCh38, chr1:11,127,005, plus strand): 5'-CATAGACAGTAAAACAGAAAGGACTATAATGACAGTTAACCCTGCCAGGAGCCTGAAGAT[C>T]CTACCTGAGGCAGCTGCTTTGAGATTCGTCGGAACACATGATAATAGAGGTCCCAGGCTT-3'